The following is an entry in ClinVar:

ClinVar aggregate classification (germline): Pathogenic. Review status: criteria provided, multiple submitters, no conflicts (2 of 4 stars). 2 submissions from 2 submitters: Pathogenic (2). Last evaluated 2025-08-13.

Conditions:
Syndromic X-linked intellectual disability Najm type (MICPCH). Also called: Mental retardation and microcephaly with pontine and cerebellar hypoplasia; MENTAL RETARDATION, X-LINKED, SYNDROMIC, NAJM TYPE; Intellectual Disability and Microcephaly with Pontine and Cerebellar Hypoplasia; MICPCH SYNDROME; Intellectual developmental disorder and microcephaly with pontine and cerebellar hypoplasia; Intellectual Disability and Microcephaly with Pontine and Cerebellar Hypoplasia (MICPCH). Identifiers: Orphanet 163937, MedGen C2677903, MONDO:0010417, OMIM 300749.

Submissions (2):

Variantyx, Inc.
Classification: Pathogenic for Syndromic X-linked intellectual disability Najm type. Last evaluated: 2025-08-13. Review status: criteria provided, single submitter. Criteria: Variantyx Assertion Criteria 2022. Collection method: clinical testing. Allele origin: maternal. Inheritance: X-linked dominant inheritance. Affected: yes.
Comment: This is a nonsense variant in the CASK gene (OMIM: 300172). Pathogenic variants in this gene have been associated with X-linked intellectual developmental disorder and microcephaly with pontine and cerebellar hypoplasia. This variant introduces a premature termination codon in exon 22 out of 27 and is expected to result in loss of function, which is a known disease mechanism for CASK in this disorder (PMID: 19165920, 20029458, 21954287, 22452838, 22709267) (PVS1). This variant is absent from control populations (PM2). Based on the current evidence, this variant is classified as likely pathogenic for X-linked intellectual developmental disorder and microcephaly with pontine and cerebellar hypoplasia.

GeneDx
Classification: Pathogenic. Last evaluated: 2016-08-09. Review status: criteria provided, single submitter. Criteria: GeneDx Variant Classification (06012015). Collection method: clinical testing. Allele origin: germline. Affected: yes.
Comment: The W700X pathogenic variant in the CASK gene has not been reported previously as a pathogenic variant nor as a benign variant, to our knowledge. This variant is predicted to cause loss of normal protein function either through protein truncation or nonsense-mediated mRNA decay. The W700X variant was not observed in approximately 6,500 individuals of European and African American ancestry in the NHLBI Exome Sequencing Project, indicating it is not a common benign variant in these populations. We interpret W700X as a pathogenic variant.

Literature cited by the submitters: PubMed 19165920 (cited by Variantyx, Inc.); PubMed 20029458 (cited by Variantyx, Inc.); PubMed 21954287 (cited by Variantyx, Inc.); PubMed 22452838 (cited by Variantyx, Inc.); PubMed 22709267 (cited by Variantyx, Inc.).

NM_001367721.1(CASK):c.2100G>A (p.Trp700Ter)

Gene: CASK (calcium/calmodulin dependent serine protein kinase; minus strand). Cytogenetic location: Xp11.4.
Variant type: single nucleotide variant.
Coding change: c.2100G>A on transcript NM_001367721.1 (MANE Select); coding-DNA position 2100, G replaced by A.
Protein change: p.Trp700Ter; replaces tryptophan 700 with a stop codon.
Molecular consequence: nonsense.
Genome position (GRCh38, 1-based): chrX:41,542,746, C>T on the plus strand (G>A on the coding strand, the complement: CASK is on the minus strand). VCF-style: chrX-41542746-C-T. GRCh37 (hg19) VCF-style: chrX-41401999-C-T.
Other names: c.2031G>A, p.Trp677Ter (NM_001126054.3); c.2013G>A, p.Trp671Ter (NM_001126055.3); c.2082G>A, p.Trp694Ter (NM_001410745.1); c.2100G>A, p.Trp700Ter (NM_003688.4); short protein forms W700*, W677*, W671*, W694*.
Identifiers: ClinVar variation 265654 (VCV000265654.3), dbSNP rs886039702, ClinGen allele CA10588784.